The following is an entry in ClinVar:

ClinVar aggregate classification (germline): Uncertain significance. Review status: criteria provided, multiple submitters, no conflicts (2 of 4 stars). 2 submissions from 2 submitters: Uncertain significance (2). Last evaluated 2024-10-04.

Conditions:
TMEM67-related disorder. Also called: TMEM67-related condition; TMEM67-related disorders. Identifiers: MedGen CN239423.
Meckel-Gruber syndrome. Also called: Dysencephalia splachnocystica; DYSENCEPHALIA SPLANCHNOCYSTICA; GRUBER SYNDROME. Identifiers: Orphanet 564, MedGen C0265215, MONDO:0018921.
Joubert syndrome. Also called: Familial aplasia of the vermis; JOUBERT-BOLTSHAUSER SYNDROME. Identifiers: Orphanet 475, MedGen C5979921, MONDO:0018772.

Submissions (2):

PreventionGenetics, part of Exact Sciences
Classification: Uncertain significance for TMEM67-related condition. Last evaluated: 2024-10-04. Review status: criteria provided, single submitter. Criteria: ACMG Guidelines, 2015. Collection method: clinical testing. Allele origin: germline.
Comment: The TMEM67 c.506+5G>A variant is predicted to interfere with splicing. To our knowledge, this variant has not been reported in the literature or in a large population database (gnomAD), indicating this variant is rare. At this time, the clinical significance of this variant is uncertain due to the absence of conclusive functional and genetic evidence.

Labcorp Genetics (formerly Invitae), Labcorp
Classification: Uncertain significance for Joubert syndrome; Meckel-Gruber syndrome. Last evaluated: 2023-09-28. Review status: criteria provided, single submitter. Criteria: Invitae Variant Classification Sherloc (09022015). Collection method: clinical testing. Allele origin: germline.
Comment: This sequence change falls in intron 4 of the TMEM67 gene. It does not directly change the encoded amino acid sequence of the TMEM67 protein. It affects a nucleotide within the consensus splice site. This variant is not present in population databases (gnomAD no frequency). This variant has not been reported in the literature in individuals affected with TMEM67-related conditions. Variants that disrupt the consensus splice site are a relatively common cause of aberrant splicing (PMID: 17576681, 9536098). Algorithms developed to predict the effect of sequence changes on RNA splicing suggest that this variant may disrupt the consensus splice site. In summary, the available evidence is currently insufficient to determine the role of this variant in disease. Therefore, it has been classified as a Variant of Uncertain Significance.

Literature cited by the submitters: PubMed 17576681 (cited by Labcorp Genetics (formerly Invitae), Labcorp); PubMed 9536098 (cited by Labcorp Genetics (formerly Invitae), Labcorp).

NM_153704.6(TMEM67):c.506+5G>A

Gene: TMEM67 (transmembrane protein 67; plus strand). Cytogenetic location: 8q22.1.
Variant type: single nucleotide variant.
Coding change: c.506+5G>A on transcript NM_153704.6 (MANE Select); 5 bases into the intron after coding-DNA position 506, G replaced by A.
Molecular consequence: intron variant.
Genome position (GRCh38, 1-based): chr8:93,763,946, G>A. VCF-style: chr8-93763946-G-A. GRCh37 (hg19) VCF-style: chr8-94776174-G-A.
Other names: c.263+5G>A (NM_001142301.1); c.506+5G>A (NM_153704.5).
Identifiers: ClinVar variation 2951771 (VCV002951771.4), dbSNP rs2536784959, ClinGen allele CA2740095074.
Genomic context (GRCh38, chr8:93,763,946, plus strand): 5'-GAGCTCTGTGATGGAAATGAAAACTCTTTTATGGTAGTAAATGCTTTAGGAGACAGGTAA[G>A]CAGTGTGATGGGGGCTAACTTCATTAATATCATCTTATATTAGTGTATAATTTGTACTTT-3'